The following is an entry in ClinVar:

NM_032638.5(GATA2):c.863C>G (p.Ser288Cys)

Gene: GATA2 (GATA binding protein 2; minus strand). Cytogenetic location: 3q21.3.
Variant type: single nucleotide variant.
Coding change: c.863C>G on transcript NM_032638.5 (MANE Select); coding-DNA position 863, C replaced by G.
Protein change: p.Ser288Cys; replaces serine 288 with cysteine.
Molecular consequence: missense variant.
Genome position (GRCh38, 1-based): chr3:128,485,735, G>C on the plus strand (C>G on the coding strand, the complement: GATA2 is on the minus strand). VCF-style: chr3-128485735-G-C. GRCh37 (hg19) VCF-style: chr3-128204578-G-C.
Other names: c.863C>G, p.Ser288Cys (NM_001145661.2, NM_001145662.1); short protein forms S288C.
Identifiers: ClinVar variation 4842563 (VCV004842563.1).

ClinVar aggregate classification (germline): Uncertain significance (1 of 4 stars; one submission).

Conditions:
Inborn genetic diseases. Identifiers: MedGen C0950123, MeSH D030342.

Submission:

Ambry Genetics
Classification: Uncertain significance for Inborn genetic diseases. Last evaluated: 2026-01-02. Review status: criteria provided, single submitter. Criteria: Ambry Variant Classification Scheme 2023. Collection method: clinical testing. Allele origin: germline.
Comment: The p.S288C variant (also known as c.863C>G), located in coding exon 2 of the GATA2 gene, results from a C to G substitution at nucleotide position 863. The serine at codon 288 is replaced by cysteine, an amino acid with dissimilar properties. This amino acid position is highly conserved in available vertebrate species. In addition, this alteration is predicted to be deleterious by in silico analysis. Based on the available evidence, the clinical significance of this variant remains unclear.